The following is an entry in ClinVar:

ClinVar aggregate classification (germline): Conflicting classifications of pathogenicity. Review status: criteria provided, conflicting classifications (1 of 4 stars). 3 submissions from 3 submitters: Uncertain significance (1); Likely benign (1). 1 of the submissions does not count toward it. Last evaluated 2024-07-03.

Conditions:
MHC class II deficiency. Also called: Bare lymphocyte syndrome 2; BLS, TYPE II. Identifiers: Orphanet 572, MedGen C5447452, MONDO:0008855.

Allele frequency attached by ClinVar (database versions not stated): TOPMed 0.00003; ExAC 0.00005; gnomAD 0.00005 and 0.00006; ESP Exome Variant Server 0.00015.

Submissions (3):

Blueprint Genetics
Classification: Likely benign. Last evaluated: 2024-07-03. Review status: criteria provided, single submitter. Criteria: ACMG Guidelines, 2015. Collection method: clinical testing. Allele origin: germline.

Labcorp Genetics (formerly Invitae), Labcorp
Classification: Uncertain significance for MHC class II deficiency. Last evaluated: 2022-07-06. Review status: criteria provided, single submitter. Criteria: Invitae Variant Classification Sherloc (09022015). Collection method: clinical testing. Allele origin: germline.
Comment: This sequence change replaces arginine, which is basic and polar, with cysteine, which is neutral and slightly polar, at codon 7 of the CIITA protein (p.Arg7Cys). This variant is present in population databases (rs202176090, gnomAD 0.02%). This variant has not been reported in the literature in individuals affected with CIITA-related conditions. ClinVar contains an entry for this variant (Variation ID: 1017670). Algorithms developed to predict the effect of missense changes on protein structure and function output the following: SIFT: "Tolerated"; PolyPhen-2: "Benign"; Align-GVGD: "Class C0". The cysteine amino acid residue is found in multiple mammalian species, which suggests that this missense change does not adversely affect protein function. In summary, the available evidence is currently insufficient to determine the role of this variant in disease. Therefore, it has been classified as a Variant of Uncertain Significance.

Natera, Inc.
Classification: Uncertain significance for Bare lymphocyte syndrome type II. Last evaluated: 2020-11-19. Review status: no assertion criteria provided. Collection method: clinical testing. Allele origin: germline. Not counted in ClinVar's aggregate classification.

NM_000246.4(CIITA):c.19C>T (p.Arg7Cys)

Genes: CIITA (class II major histocompatibility complex transactivator; plus strand), LOC130058443 (ATAC-STARR-seq lymphoblastoid active region 10394; plus strand). Cytogenetic location: 16p13.13.
Variant type: single nucleotide variant.
Coding change: c.19C>T on transcript NM_000246.4 (MANE Select); coding-DNA position 19, C replaced by T.
Protein change: p.Arg7Cys; replaces arginine 7 with cysteine.
Molecular consequence: missense variant. On other transcripts: non-coding transcript variant (1).
Genome position (GRCh38, 1-based): chr16:10,877,349, C>T. VCF-style: chr16-10877349-C-T. GRCh37 (hg19) VCF-style: chr16-10971206-C-T.
Other names: c.19C>T, p.Arg7Cys (NM_001379333.1, NM_001286402.1, NM_001286403.2 and 3 more transcripts); short protein forms R7C.
Identifiers: ClinVar variation 1017670 (VCV001017670.9), dbSNP rs202176090, ClinGen allele CA7899529.